The following is an entry in ClinVar:

NM_006767.4(LZTR1):c.842dup (p.Gln282fs)

Gene: LZTR1 (leucine zipper like post translational regulator 1; plus strand). Cytogenetic location: 22q11.21.
Variant type: Duplication.
Coding change: c.842dup on transcript NM_006767.4 (MANE Select); coding-DNA position 842, one base duplicated (C; older notation c.842dupC).
Protein change: p.Gln282fs; shifts the reading frame from glutamine 282.
Molecular consequence: frameshift variant.
Genome position (GRCh38, 1-based): chr22:20,991,678, C duplicated; the last of 5 consecutive C bases (chr22:20,991,674-20,991,678); duplicating any one gives the same sequence. VCF-style (leftmost placement, unchanged base first): chr22-20991673-A-AC. GRCh37 (hg19) VCF-style: chr22-21345962-A-AC.
Other names: short protein forms Q282fs.
Identifiers: ClinVar variation 3624754 (VCV003624754.4).

ClinVar aggregate classification (germline): Pathogenic. Review status: criteria provided, multiple submitters, no conflicts (2 of 4 stars). 2 submissions from 2 submitters: Pathogenic (2). Last evaluated 2026-03-02.

Conditions:
Noonan syndrome 2 (NS2). Identifiers: Orphanet 648, MedGen C1854469, MONDO:0011531, OMIM 605275.

Submissions (2):

Victorian Clinical Genetics Services, Murdoch Childrens Research Institute
Classification: Pathogenic for Noonan syndrome 2. Last evaluated: 2026-03-02. Review status: criteria provided, single submitter. Criteria: ACMG Guidelines, 2015. Collection method: clinical testing. Allele origin: germline. Affected: yes.
Comment: This variant is classified as Pathogenic. Evidence in support of pathogenic classification: Variant is predicted to cause nonsense-mediated decay (NMD) and loss of protein (premature termination codon is located at least 54 nucleotides upstream of the final exon-exon junction); Variant is absent from gnomAD (v2, v3 and v4); This variant has limited previous evidence of pathogenicity in an unrelated individual(s). This variant has been classified as pathogenic by a clinical laboratory in ClinVar. - Other NMD-predicted variant(s) comparable to the one identified in this case have very strong previous evidence for pathogenicity (ClinVar). Additional information: This variant is heterozygous; This gene is associated with both recessive and dominant disease. - Loss of function is a known mechanism of disease in this gene and is associated with autosomal recessive Noonan syndrome 2 (MIM#605275). Dominant negative is the suspected mechanism for autosomal dominant Noonan syndrome 10 (MIM#616564); Inheritance information for this variant is not currently available in this individual.

Labcorp Genetics (formerly Invitae), Labcorp
Classification: Pathogenic. Last evaluated: 2025-05-18. Review status: criteria provided, single submitter. Criteria: Invitae Variant Classification Sherloc (09022015). Collection method: clinical testing. Allele origin: germline.
Comment: This sequence change creates a premature translational stop signal (p.Gln282Alafs*12) in the LZTR1 gene. It is expected to result in an absent or disrupted protein product. Loss-of-function variants in LZTR1 are known to be pathogenic (PMID: 24362817, 25335493, 25480913, 25795793, 29469822, 30368668, 30442762, 30442766, 30481304, 30859559). This variant is not present in population databases (gnomAD no frequency). This variant has not been reported in the literature in individuals affected with LZTR1-related conditions. ClinVar contains an entry for this variant (Variation ID: 3624754). For these reasons, this variant has been classified as Pathogenic.

Literature cited by the submitters: PubMed 24362817 (cited by Labcorp Genetics (formerly Invitae), Labcorp); PubMed 25335493 (cited by Labcorp Genetics (formerly Invitae), Labcorp); PubMed 25480913 (cited by Labcorp Genetics (formerly Invitae), Labcorp); PubMed 25795793 (cited by Labcorp Genetics (formerly Invitae), Labcorp); PubMed 29469822 (cited by Labcorp Genetics (formerly Invitae), Labcorp); PubMed 30368668 (cited by Labcorp Genetics (formerly Invitae), Labcorp); PubMed 30442762 (cited by Labcorp Genetics (formerly Invitae), Labcorp); PubMed 30442766 (cited by Labcorp Genetics (formerly Invitae), Labcorp); PubMed 30481304 (cited by Labcorp Genetics (formerly Invitae), Labcorp); PubMed 30859559 (cited by Labcorp Genetics (formerly Invitae), Labcorp).